The following is an entry in ClinVar:

ClinVar aggregate classification (germline): Uncertain significance. Review status: criteria provided, multiple submitters, no conflicts (2 of 4 stars). 2 submissions from 2 submitters: Uncertain significance (2). Last evaluated 2025-01-28.

Conditions:
AFF4-related disorder. Also called: AFF4-related condition.
Cognitive impairment - coarse facies - heart defects - obesity - pulmonary involvement - short stature - skeletal dysplasia syndrome. Also called: Chops syndrome; AFF4-Related CHOPS Syndrome; COGNITIVE IMPAIRMENT, COARSE FACIES, HEART DEFECTS, OBESITY, PULMONARY INVOLVEMENT, SHORT STATURE, AND SKELETAL DYSPLASIA. Identifiers: Orphanet 444077, MedGen C4085597, MONDO:0014609, OMIM 616368.

Submissions (2):

PreventionGenetics, part of Exact Sciences
Classification: Uncertain significance for AFF4-related condition. Last evaluated: 2025-01-28. Review status: criteria provided, single submitter. Criteria: ACMG Guidelines, 2015. Collection method: clinical testing. Allele origin: germline.
Comment: The AFF4 c.767A>G variant is predicted to result in the amino acid substitution p.Tyr256Cys. To our knowledge, this variant has not been reported in the literature or in a large population database, indicating this variant is rare. This variant falls within the highly conserved ALF domain of the AFF4 gene, which harbors a cluster of previously reported pathogenic variants (Raible et al. 2019. PubMed ID: 31058441). At this time, the clinical significance of this variant is uncertain due to the absence of conclusive functional and genetic evidence.

Labcorp Genetics (formerly Invitae), Labcorp
Classification: Uncertain significance for Cognitive impairment - coarse facies - heart defects - obesity - pulmonary involvement - short stature - skeletal dysplasia syndrome. Last evaluated: 2022-07-19. Review status: criteria provided, single submitter. Criteria: Invitae Variant Classification Sherloc (09022015). Collection method: clinical testing. Allele origin: germline.
Comment: In summary, the available evidence is currently insufficient to determine the role of this variant in disease. Therefore, it has been classified as a Variant of Uncertain Significance. Algorithms developed to predict the effect of missense changes on protein structure and function are either unavailable or do not agree on the potential impact of this missense change (SIFT: "Deleterious"; PolyPhen-2: "Probably Damaging"; Align-GVGD: "Class C0"). ClinVar contains an entry for this variant (Variation ID: 1398040). This variant has not been reported in the literature in individuals affected with AFF4-related conditions. This variant is not present in population databases (gnomAD no frequency). This sequence change replaces tyrosine, which is neutral and polar, with cysteine, which is neutral and slightly polar, at codon 256 of the AFF4 protein (p.Tyr256Cys).

NM_014423.4(AFF4):c.767A>G (p.Tyr256Cys)

Gene: AFF4 (ALF transcription elongation factor 4; minus strand). Cytogenetic location: 5q31.1.
Variant type: single nucleotide variant.
Coding change: c.767A>G on transcript NM_014423.4 (MANE Select); coding-DNA position 767, A replaced by G.
Protein change: p.Tyr256Cys; replaces tyrosine 256 with cysteine.
Molecular consequence: missense variant.
Genome position (GRCh38, 1-based): chr5:132,934,298, T>C on the plus strand (A>G on the coding strand, the complement: AFF4 is on the minus strand). VCF-style: chr5-132934298-T-C. GRCh37 (hg19) VCF-style: chr5-132269990-T-C.
Other names: c.767A>G (NM_014423.3); short protein forms Y256C.
Identifiers: ClinVar variation 1398040 (VCV001398040.10), dbSNP rs2150098319, ClinGen allele CA360958248.